The following is an entry in ClinVar:

ClinVar aggregate classification (germline): Benign (1 of 4 stars; one submission).

Conditions:
Ceroid lipofuscinosis, neuronal, 4 (Kufs type) (CLN4). Also called: Neuronal ceroid lipofuscinosis 4B; Ceroid lipofuscinosis, neuronal, 4, Parry type. Identifiers: Orphanet 228343, Orphanet 79262, MedGen C1834207, MONDO:0008083, OMIM 162350.

Allele frequency attached by ClinVar (database versions not stated): 1000 Genomes Project 0.00060; 1000 Genomes Project 30x 0.00062; gnomAD 0.00125 and 0.00126; TOPMed 0.00128.

Submission:

Illumina Laboratory Services, Illumina
Classification: Benign for Ceroid lipofuscinosis, neuronal, 4 (Kufs type). Last evaluated: 2018-01-13. Review status: criteria provided, single submitter. Criteria: ICSL Variant Classification Criteria 13 December 2019. Collection method: clinical testing. Allele origin: germline.
Comment: This variant was observed in the ICSL laboratory as part of a predisposition screen in an ostensibly healthy population. It had not been previously curated by ICSL or reported in the Human Gene Mutation Database (HGMD: prior to June 1st, 2018), and was therefore a candidate for classification through an automated scoring system. Utilizing variant allele frequency, disease prevalence and penetrance estimates, and inheritance mode, an automated score was calculated to assess if this variant is too frequent to cause the disease. Based on the score and internal cut-off values, a variant classified as benign is not then subjected to further curation. The score for this variant resulted in a classification of benign for this disease.

NM_025219.3(DNAJC5):c.*1433G>A

Gene: DNAJC5 (DnaJ heat shock protein family (Hsp40) member C5; plus strand). Cytogenetic location: 20q13.33.
Variant type: single nucleotide variant.
Coding change: c.*1433G>A on transcript NM_025219.3 (MANE Select); 1433 bases downstream of the stop codon, G replaced by A.
Molecular consequence: 3 prime UTR variant.
Genome position (GRCh38, 1-based): chr20:63,933,001, G>A. VCF-style: chr20-63933001-G-A. GRCh37 (hg19) VCF-style: chr20-62564354-G-A.
Identifiers: ClinVar variation 339392 (VCV000339392.6), dbSNP rs41278220, ClinGen allele CA10650221.